The following is an entry in ClinVar:

ClinVar aggregate classification (germline): Uncertain significance (0 of 4 stars; one submission).

Conditions:
ATP6V1A-related disorder. Also called: ATP6V1A-related condition.

gnomAD v4.1: 3 of 1,611,996 alleles (0.00019%); highest among the groups gnomAD compares: Non-Finnish European, 0.000085%; no homozygotes.

Submission:

PreventionGenetics, part of Exact Sciences
Classification: Uncertain significance for ATP6V1A-related condition. Last evaluated: 2024-05-22. Review status: no assertion criteria provided. Collection method: clinical testing. Allele origin: germline.
Comment: The ATP6V1A c.614T>C variant is predicted to result in the amino acid substitution p.Met205Thr. To our knowledge, this variant has not been reported in the literature or in a large population database, indicating this variant is rare. At this time, the clinical significance of this variant is uncertain due to the absence of conclusive functional and genetic evidence.

NM_001690.4(ATP6V1A):c.614T>C (p.Met205Thr)

Gene: ATP6V1A (ATPase H+ transporting V1 subunit A; plus strand). Cytogenetic location: 3q13.31.
Variant type: single nucleotide variant.
Coding change: c.614T>C on transcript NM_001690.4 (MANE Select); coding-DNA position 614, T replaced by C.
Protein change: p.Met205Thr; replaces methionine 205 with threonine.
Molecular consequence: missense variant.
Genome position (GRCh38, 1-based): chr3:113,786,281, T>C. VCF-style: chr3-113786281-T-C. GRCh37 (hg19) VCF-style: chr3-113505128-T-C.
Other names: short protein forms M205T.
Identifiers: ClinVar variation 3350176 (VCV003350176.1).